The following is an entry in ClinVar:

NM_000038.6(APC):c.4052C>G (p.Ala1351Gly)

Gene: APC (APC regulator of Wnt signaling pathway; plus strand). Cytogenetic location: 5q22.2.
Variant type: single nucleotide variant.
Coding change: c.4052C>G on transcript NM_000038.6 (MANE Select); coding-DNA position 4052, C replaced by G.
Protein change: p.Ala1351Gly; replaces alanine 1351 with glycine.
Molecular consequence: missense variant.
Genome position (GRCh38, 1-based): chr5:112,839,646, C>G. VCF-style: chr5-112839646-C-G. GRCh37 (hg19) VCF-style: chr5-112175343-C-G.
Other names: c.4052C>G, p.Ala1351Gly (NM_001127510.3, NM_001354895.2); c.3998C>G, p.Ala1333Gly (NM_001127511.3); c.4106C>G, p.Ala1369Gly (NM_001354896.2); c.4082C>G, p.Ala1361Gly (NM_001354897.2); c.3977C>G, p.Ala1326Gly (NM_001354898.2); c.3968C>G, p.Ala1323Gly (NM_001354899.2); c.3929C>G, p.Ala1310Gly (NM_001354900.2); c.3875C>G, p.Ala1292Gly (NM_001354901.2); and 5 more; short protein forms A1191G, A1250G, A1323G, A1351G, A1225G, A1260G, A1292G, A1369G.
Identifiers: ClinVar variation 1347949 (VCV001347949.11), dbSNP rs2149905045, ClinGen allele CA16030213.
Genomic context (GRCh38, chr5:112,839,646, plus strand): 5'-GAACCAAATCCAGCAGACTGCAGGGTTCTAGTTTATCTTCAGAATCAGCCAGGCACAAAG[C>G]TGTTGAATTTTCTTCAGGAGCGAAATCTCCCTCCAAAAGTGGTGCTCAGACACCCAAAAG-3'
Protein context (NP_000029.2, residues 1341-1361): SLSSESARHK[Ala1351Gly]VEFSSGAKSP

ClinVar aggregate classification (germline): Uncertain significance. Review status: criteria provided, multiple submitters, no conflicts (2 of 4 stars). 3 submissions from 3 submitters: Uncertain significance (3). Last evaluated 2023-07-25.

Conditions:
Hereditary cancer-predisposing syndrome. Also called: Hereditary neoplastic syndrome; Tumor predisposition; Neoplastic Syndromes, Hereditary; Hereditary Cancer Syndrome. Identifiers: Orphanet 140162, MedGen C0027672, MeSH D009386, MONDO:0015356.
Familial adenomatous polyposis 1 (FAP1). Also called: FAMILIAL ADENOMATOUS POLYPOSIS 1, ATTENUATED; POLYPOSIS, ADENOMATOUS INTESTINAL. Identifiers: MedGen C2713442, MONDO:0021056, OMIM 175100. Disease mechanism: loss of function.

gnomAD v4.1: 1 of 1,614,154 alleles (0.000062%); no homozygotes.

Submissions (3):

Baylor Genetics
Classification: Uncertain significance for Familial adenomatous polyposis 1. Last evaluated: 2023-07-25. Review status: criteria provided, single submitter. Criteria: ACMG Guidelines, 2015. Collection method: clinical testing. Allele origin: unknown.

Labcorp Genetics (formerly Invitae), Labcorp
Classification: Uncertain significance for Familial adenomatous polyposis 1. Last evaluated: 2021-04-23. Review status: criteria provided, single submitter. Criteria: Invitae Variant Classification Sherloc (09022015). Collection method: clinical testing. Allele origin: germline.
Comment: Algorithms developed to predict the effect of sequence changes on RNA splicing suggest that this variant may create or strengthen a splice site, but this prediction has not been confirmed by published transcriptional studies. In summary, the available evidence is currently insufficient to determine the role of this variant in disease. Therefore, it has been classified as a Variant of Uncertain Significance. Algorithms developed to predict the effect of missense changes on protein structure and function are either unavailable or do not agree on the potential impact of this missense change (SIFT: "Deleterious"; PolyPhen-2: "Benign"; Align-GVGD: "Class C0"). This variant has not been reported in the literature in individuals with APC-related conditions. This variant is not present in population databases (ExAC no frequency). This sequence change replaces alanine with glycine at codon 1351 of the APC protein (p.Ala1351Gly). The alanine residue is highly conserved and there is a small physicochemical difference between alanine and glycine.

Ambry Genetics
Classification: Uncertain significance for Hereditary cancer-predisposing syndrome. Last evaluated: 2021-03-19. Review status: criteria provided, single submitter. Criteria: Ambry Variant Classification Scheme 2023. Collection method: clinical testing. Allele origin: germline.
Comment: The p.A1351G variant (also known as c.4052C>G), located in coding exon 15 of the APC gene, results from a C to G substitution at nucleotide position 4052. The alanine at codon 1351 is replaced by glycine, an amino acid with similar properties. This amino acid position is well conserved in available vertebrate species. In addition, in silico predictors for this gene do not accurately predict pathogenicity. Since supporting evidence is limited at this time, the clinical significance of this alteration remains unclear.